The following is an entry in ClinVar:

ClinVar aggregate classification (germline): Uncertain significance (1 of 4 stars; one submission).

gnomAD v4.1: 2 of 1,612,130 alleles (0.00012%); highest among the groups gnomAD compares: African/African-American, 0.0027%; no homozygotes.

Submission:

Mayo Clinic Laboratories, Mayo Clinic
Classification: Uncertain significance. Last evaluated: 2025-12-10. Review status: criteria provided, single submitter. Criteria: ACMG Guidelines, 2015. Collection method: clinical testing. Allele origin: germline. Observed: 1 variant allele.
Comment: PM2_supporting

NM_003647.3(DGKE):c.699A>G (p.Gly233=)

Gene: DGKE (diacylglycerol kinase epsilon; plus strand). Cytogenetic location: 17q22.
Variant type: single nucleotide variant.
Coding change: c.699A>G on transcript NM_003647.3 (MANE Select); coding-DNA position 699, A replaced by G.
Protein change: p.Gly233=; no amino-acid change (glycine 233 retained).
Molecular consequence: synonymous variant.
Genome position (GRCh38, 1-based): chr17:56,845,764, A>G. VCF-style: chr17-56845764-A-G. GRCh37 (hg19) VCF-style: chr17-54923125-A-G.
Other names: p.Gly233=.
Identifiers: ClinVar variation 4542204 (VCV004542204.1).